The following is an entry in ClinVar:

NM_003000.3(SDHB):c.642+10T>G

Gene: SDHB (succinate dehydrogenase complex iron sulfur subunit B; minus strand). Cytogenetic location: 1p36.13.
Variant type: single nucleotide variant.
Coding change: c.642+10T>G on transcript NM_003000.3 (MANE Select); 10 bases into the intron after coding-DNA position 642, T replaced by G.
Molecular consequence: intron variant.
Genome position (GRCh38, 1-based): chr1:17,023,963, A>C on the plus strand (T>G on the coding strand, the complement: SDHB is on the minus strand). VCF-style: chr1-17023963-A-C. GRCh37 (hg19) VCF-style: chr1-17350458-A-C.
Other names: c.588+10T>G (NM_001407361.1).
Identifiers: ClinVar variation 2932979 (VCV002932979.4), dbSNP rs780427803, ClinGen allele CA2740090525.

ClinVar aggregate classification (germline): Likely benign. Review status: criteria provided, multiple submitters, no conflicts (2 of 4 stars). 2 submissions from 2 submitters: Likely benign (2). Last evaluated 2025-03-13.

Conditions:
Pheochromocytoma/paraganglioma syndrome 4. Also called: CAROTID BODY TUMORS AND MULTIPLE EXTRAADRENAL PHEOCHROMOCYTOMAS; PARAGANGLIOMA, FAMILIAL MALIGNANT; PARAGANGLIOMAS, HEREDITARY EXTRAADRENAL; PHEOCHROMOCYTOMA, FAMILIAL EXTRAADRENAL; Paragangliomas 4; SDHB-Related Hereditary Paraganglioma-Pheochromocytoma Syndrome (Paragangliomas 4). Identifiers: Orphanet 29072, MedGen C1861848, MONDO:0007273, OMIM 115310.
Pheochromocytoma. Also called: MAX-Related Hereditary Paraganglioma-Pheochromocytoma Syndrome. Identifiers: Orphanet 29072, MedGen C0031511, MONDO:0008233, OMIM 171300, HP:0002666.
Gastrointestinal stromal tumor. Also called: Gastrointestinal stromal tumor, somatic; Gastrointestinal stroma tumor. Identifiers: Orphanet 44890, MedGen C0238198, MeSH D046152, MONDO:0011719, OMIM 606764, HP:0100723.

Submissions (2):

Myriad Genetics, Inc.
Classification: Likely benign for Pheochromocytoma/paraganglioma syndrome 4. Last evaluated: 2025-03-13. Review status: criteria provided, single submitter. Criteria: Myriad Autosomal Dominant, Autosomal Recessive and X-Linked Classification Criteria (2023). Collection method: clinical testing. Allele origin: unknown.
Comment: This variant is considered likely benign. This variant is intronic and is not expected to impact mRNA splicing.

Labcorp Genetics (formerly Invitae), Labcorp
Classification: Likely benign for Gastrointestinal stromal tumor; Pheochromocytoma/paraganglioma syndrome 4; Pheochromocytoma. Last evaluated: 2024-01-27. Review status: criteria provided, single submitter. Criteria: Invitae Variant Classification Sherloc (09022015). Collection method: clinical testing. Allele origin: germline.